The following is an entry in ClinVar:

ClinVar aggregate classification (germline): Uncertain significance. Review status: criteria provided, multiple submitters, no conflicts (2 of 4 stars). 2 submissions from 2 submitters: Uncertain significance (2). Last evaluated 2025-02-06.

Conditions:
Cardiovascular phenotype. Identifiers: MedGen CN230736.

gnomAD v4.1: 1 of 1,613,542 alleles (0.000062%); highest among the groups gnomAD compares: Non-Finnish European, 0.000085%; no homozygotes.

Submissions (2):

Ambry Genetics
Classification: Uncertain significance for Cardiovascular phenotype. Last evaluated: 2025-02-06. Review status: criteria provided, single submitter. Criteria: Ambry Variant Classification Scheme 2023. Collection method: clinical testing. Allele origin: germline.
Comment: The p.D177Y variant (also known as c.529G>T), located in coding exon 1 of the CHST14 gene, results from a G to T substitution at nucleotide position 529. The aspartic acid at codon 177 is replaced by tyrosine, an amino acid with highly dissimilar properties. This amino acid position is conserved. In addition, this alteration is predicted to be deleterious by in silico analysis. Based on the available evidence, the clinical significance of this variant remains unclear.

GeneDx
Classification: Uncertain significance. Last evaluated: 2021-01-04. Review status: criteria provided, single submitter. Criteria: GeneDx Variant Classification Process June 2021. Collection method: clinical testing. Allele origin: germline. Affected: yes.
Comment: Not observed in large population cohorts (Lek et al., 2016); In silico analysis supports that this missense variant has a deleterious effect on protein structure/function; Has not been previously published as pathogenic or benign to our knowledge

NM_130468.4(CHST14):c.529G>T (p.Asp177Tyr)

Gene: CHST14 (carbohydrate sulfotransferase 14; plus strand). Cytogenetic location: 15q15.1.
Variant type: single nucleotide variant.
Coding change: c.529G>T on transcript NM_130468.4 (MANE Select); coding-DNA position 529, G replaced by T.
Protein change: p.Asp177Tyr; replaces aspartic acid 177 with tyrosine.
Molecular consequence: missense variant.
Genome position (GRCh38, 1-based): chr15:40,471,742, G>T. VCF-style: chr15-40471742-G-T. GRCh37 (hg19) VCF-style: chr15-40763941-G-T.
Other names: short protein forms D177Y.
Identifiers: ClinVar variation 1303189 (VCV001303189.3), dbSNP rs2141570842, ClinGen allele CA391766149.